The following is an entry in ClinVar:

ClinVar aggregate classification (germline): Conflicting classifications of pathogenicity. Review status: criteria provided, conflicting classifications (1 of 4 stars). 3 submissions from 3 submitters: Uncertain significance (1); Likely benign (2). Last evaluated 2025-06-10.

Conditions:
Breast-ovarian cancer, familial, susceptibility to, 2 (BROVCA2). Also called: BRCA2 Hereditary Breast and Ovarian Cancer. Identifiers: Orphanet 145, MedGen C2675520, MONDO:0012933, OMIM 612555. Disease mechanism: loss of function.
Hereditary breast ovarian cancer syndrome. Also called: Hereditary breast and/or ovarian cancer syndrome; Hereditary breast and ovarian cancer syndrome (HBOC); Breast and ovarian cancer; Hereditary breast and ovarian cancer; BRCA1- and BRCA2-Associated Hereditary Breast and Ovarian Cancer; Hereditary breast and ovarian cancer syndrome. Identifiers: Orphanet 145, MedGen C0677776, MeSH D061325, MONDO:0003582. Disease mechanism: loss of function.

Allele frequency attached by ClinVar (database versions not stated): gnomAD exomes below 0.00001; TOPMed 0.00001; ESP Exome Variant Server 0.00008.
gnomAD v4.1: 3 of 1,604,838 alleles (0.00019%); highest among the groups gnomAD compares: Non-Finnish European, 0.00026%; no homozygotes.

Submissions (3):

Labcorp Genetics (formerly Invitae), Labcorp
Classification: Likely benign for Hereditary breast ovarian cancer syndrome. Last evaluated: 2025-06-10. Review status: criteria provided, single submitter. Criteria: Invitae Variant Classification Sherloc (09022015). Collection method: clinical testing. Allele origin: germline.

GeneDx
Classification: Likely benign. Last evaluated: 2017-01-20. Review status: criteria provided, single submitter. Criteria: GeneDx Variant Classification (06012015). Collection method: clinical testing. Allele origin: germline. Affected: yes.
Comment: This variant is considered likely benign or benign based on one or more of the following criteria: it is a conservative change, it occurs at a poorly conserved position in the protein, it is predicted to be benign by multiple in silico algorithms, and/or has population frequency not consistent with disease.

Molecular Genetics Laboratory, University of Michigan
Classification: Uncertain significance for Breast-ovarian cancer, familial, susceptibility to, 2. Last evaluated: 2014-11-03. Review status: criteria provided, single submitter. Criteria: ACMG Guidelines, 2015. Collection method: clinical testing. Allele origin: germline. Affected: yes.

NM_000059.4(BRCA2):c.9256+7C>T

Gene: BRCA2 (BRCA2 DNA repair associated; plus strand). Cytogenetic location: 13q13.1.
Variant type: single nucleotide variant.
Coding change: c.9256+7C>T on transcript NM_000059.4 (MANE Select); 7 bases into the intron after coding-DNA position 9256, C replaced by T.
Molecular consequence: intron variant.
Genome position (GRCh38, 1-based): chr13:32,380,152, C>T. VCF-style: chr13-32380152-C-T. GRCh37 (hg19) VCF-style: chr13-32954289-C-T.
Identifiers: ClinVar variation 225722 (VCV000225722.12), dbSNP rs373697701, ClinGen allele CA10576078.
Genomic context (GRCh38, chr13:32,380,152, plus strand): 5'-CTTGTTCTGAGGTGGACCTAATAGGATTTGTCGTTTCTGTTGTGAAAAAAACAGGTAATG[C>T]ACAATATAGTTAATTTTTTTTATTGATTCTTTTAAAAAACATTGTCTTTTAAAATCTCTT-3'